The following is an entry in ClinVar:

ClinVar aggregate classification (germline): Likely benign (1 of 4 stars; one submission).

Allele frequency attached by ClinVar (database versions not stated): gnomAD 0.00015; 1000 Genomes Project 0.00040; ESP Exome Variant Server 0.00009; 1000 Genomes Project 30x 0.00031.
gnomAD v4.1: 45 of 1,388,860 alleles (0.0032%); highest among the groups gnomAD compares: African/African-American, 0.037%; 3 homozygotes.

Submission:

CeGaT Center for Human Genetics Tuebingen
Classification: Likely benign. Last evaluated: 2022-11-01. Review status: criteria provided, single submitter. Criteria: CeGaT Center For Human Genetics Tuebingen Variant Classification Criteria Version 2. Collection method: clinical testing. Allele origin: germline. Affected: yes. Observed: 1 variant allele.
Comment: RHD: BP4, BS2

NM_016124.6(RHD):c.254C>T (p.Ala85Val)

Genes: RHD (Rh blood group D antigen; plus strand), RSRP1 (arginine and serine rich protein 1; minus strand). Cytogenetic location: 1p36.11.
Variant type: single nucleotide variant.
Coding change: c.254C>T on transcript NM_016124.6 (MANE Select); coding-DNA position 254, C replaced by T.
Protein change: p.Ala85Val; replaces alanine 85 with valine.
Molecular consequence: missense variant. On other transcripts: intron variant (1), 5 prime UTR variant (1).
Genome position (GRCh38, 1-based): chr1:25,284,678, C>T. VCF-style: chr1-25284678-C-T. GRCh37 (hg19) VCF-style: chr1-25611169-C-T.
Other names: c.254C>T, p.Ala85Val (NM_001282869.2, NM_001282870.1, NM_001282871.2 and 3 more transcripts); c.-66-37649G>A (NM_001321772.2); c.-241C>T (NM_001282867.1); short protein forms A85V.
Identifiers: ClinVar variation 2638496 (VCV002638496.22), dbSNP rs139501061, ClinGen allele CA693937.